The following is an entry in ClinVar:

ClinVar aggregate classification (germline): Uncertain significance. Review status: criteria provided, multiple submitters, no conflicts (2 of 4 stars). 4 submissions from 4 submitters: Uncertain significance (4). Last evaluated 2026-03-30.

Conditions:
DK1-congenital disorder of glycosylation. Also called: CONGENITAL DISORDER OF GLYCOSYLATION, TYPE Im; CDG Im; DK1-CDG; DK1 DEFICIENCY; DOLICHOL KINASE DEFICIENCY; DOLK-congenital disorder of glycosylation. Identifiers: Orphanet 91131, MedGen C1835849, MONDO:0012556, OMIM 610768.
Cardiovascular phenotype. Identifiers: MedGen CN230736.

Allele frequency attached by ClinVar (database versions not stated): gnomAD exomes 0.00002; TOPMed 0.00003; gnomAD 0.00004; ExAC 0.00001.

Submissions (4):

GeneDx
Classification: Uncertain significance. Last evaluated: 2026-03-30. Review status: criteria provided, single submitter. Criteria: GeneDx Variant Classification Process June 2021. Collection method: clinical testing. Allele origin: germline.
Comment: Not observed at significant frequency in large population cohorts (gnomAD); In silico analysis supports that this missense variant has a deleterious effect on protein structure/function; Has not been previously published as pathogenic or benign to our knowledge

Blueprint Genetics
Classification: Uncertain significance. Last evaluated: 2024-08-30. Review status: criteria provided, single submitter. Criteria: ACMG Guidelines, 2015. Collection method: clinical testing. Allele origin: germline.

Ambry Genetics
Classification: Uncertain significance for Cardiovascular phenotype. Last evaluated: 2023-09-22. Review status: criteria provided, single submitter. Criteria: Ambry Variant Classification Scheme 2023. Collection method: clinical testing. Allele origin: germline.
Comment: The p.R389W variant (also known as c.1165C>T), located in coding exon 1 of the DOLK gene, results from a C to T substitution at nucleotide position 1165. The arginine at codon 389 is replaced by tryptophan, an amino acid with dissimilar properties. This amino acid position is highly conserved in available vertebrate species. In addition, the in silico prediction for this alteration is inconclusive. Since supporting evidence is limited at this time, the clinical significance of this alteration remains unclear.

Labcorp Genetics (formerly Invitae), Labcorp
Classification: Uncertain significance for DK1-congenital disorder of glycosylation. Last evaluated: 2022-08-09. Review status: criteria provided, single submitter. Criteria: Invitae Variant Classification Sherloc (09022015). Collection method: clinical testing. Allele origin: germline.
Comment: This sequence change replaces arginine, which is basic and polar, with tryptophan, which is neutral and slightly polar, at codon 389 of the DOLK protein (p.Arg389Trp). This variant is present in population databases (rs758129067, gnomAD 0.004%). This variant has not been reported in the literature in individuals affected with DOLK-related conditions. ClinVar contains an entry for this variant (Variation ID: 583408). Algorithms developed to predict the effect of missense changes on protein structure and function are either unavailable or do not agree on the potential impact of this missense change (SIFT: "Deleterious"; PolyPhen-2: "Probably Damaging"; Align-GVGD: "Class C0"). In summary, the available evidence is currently insufficient to determine the role of this variant in disease. Therefore, it has been classified as a Variant of Uncertain Significance.

NM_014908.4(DOLK):c.1165C>T (p.Arg389Trp)

Gene: DOLK (dolichol kinase; minus strand). Cytogenetic location: 9q34.11.
Variant type: single nucleotide variant.
Coding change: c.1165C>T on transcript NM_014908.4 (MANE Select); coding-DNA position 1165, C replaced by T.
Protein change: p.Arg389Trp; replaces arginine 389 with tryptophan.
Molecular consequence: missense variant.
Genome position (GRCh38, 1-based): chr9:128,946,139, G>A on the plus strand (C>T on the coding strand, the complement: DOLK is on the minus strand). VCF-style: chr9-128946139-G-A. GRCh37 (hg19) VCF-style: chr9-131708418-G-A.
Other names: short protein forms R389W.
Identifiers: ClinVar variation 583408 (VCV000583408.10), dbSNP rs758129067, ClinGen allele CA5271616.
Genomic context (GRCh38, chr9:128,946,139, plus strand): 5'-TGTGTGTCAGAATGAGTGGTCCACTGTCTCGTTCATCCAGAAAAAGGGACAGGAAGCTCC[G>A]TAGAGTGTGACCCAAAGGCTTGATGCGGAAGTAGCGCACATACTCCAGGAAGATGAAGAC-3'
Protein context (NP_055723.1, residues 379-399): FRIKPLGHTL[Arg389Trp]SFLSLFLDER